The following is an entry in ClinVar:

ClinVar aggregate classification (germline): Uncertain significance (1 of 4 stars; one submission).

Conditions:
Idiopathic generalized epilepsy. Also called: EIG; Generalised epilepsy. Identifiers: MedGen C0270850, MONDO:0005579, OMIM 600669.

Allele frequency attached by ClinVar (database versions not stated): gnomAD exomes 0.00003 and 0.00010; gnomAD 0.00017 and 0.00018; TOPMed 0.00019.
gnomAD v4.1: 42 of 1,550,834 alleles (0.0027%); highest among the groups gnomAD compares: Admixed American, 0.082%; no homozygotes.

Submission:

Labcorp Genetics (formerly Invitae), Labcorp
Classification: Uncertain significance for Idiopathic generalized epilepsy. Last evaluated: 2019-02-05. Review status: criteria provided, single submitter. Criteria: Invitae Variant Classification Sherloc (09022015). Collection method: clinical testing. Allele origin: germline.
Comment: This sequence change replaces glutamic acid with glutamine at codon 146 of the RBFOX3 protein (p.Glu146Gln). The glutamic acid residue is moderately conserved and there is a small physicochemical difference between glutamic acid and glutamine. Algorithms developed to predict the effect of missense changes on protein structure and function are either unavailable or do not agree on the potential impact of this missense change (SIFT: "Tolerated"; PolyPhen-2: "Possibly Damaging"; Align-GVGD: "Class C0"). This variant has not been reported in the literature in individuals with RBFOX3-related disease. This variant is not present in population databases (ExAC no frequency). In summary, the available evidence is currently insufficient to determine the role of this variant in disease. Therefore, it has been classified as a Variant of Uncertain Significance.

NM_001350451.2(RBFOX3):c.436G>C (p.Glu146Gln)

Gene: RBFOX3 (RNA binding fox-1 homolog 3; minus strand). Cytogenetic location: 17q25.3.
Variant type: single nucleotide variant.
Coding change: c.436G>C on transcript NM_001350451.2 (MANE Select); coding-DNA position 436, G replaced by C.
Protein change: p.Glu146Gln; replaces glutamic acid 146 with glutamine.
Molecular consequence: missense variant. On other transcripts: intron variant (2).
Genome position (GRCh38, 1-based): chr17:79,103,233, C>G on the plus strand (G>C on the coding strand, the complement: RBFOX3 is on the minus strand). VCF-style: chr17-79103233-C-G. GRCh37 (hg19) VCF-style: chr17-77099315-C-G.
Other names: c.436G>C, p.Glu146Gln (NM_001082575.3, NM_001350453.2, NM_001385804.1 and 34 more transcripts); c.433G>C, p.Glu145Gln (NM_001385806.1, NM_001385822.1, NM_001385843.1 and 4 more transcripts); c.414+840G>C (NM_001385824.1); c.361-1589G>C (NM_001385847.1); short protein forms E146Q, E145Q.
Identifiers: ClinVar variation 641302 (VCV000641302.10), dbSNP rs1340183543, ClinGen allele CA401317065.